The following is an entry in ClinVar:

NM_000350.3(ABCA4):c.419G>C (p.Arg140Pro)

Gene: ABCA4 (ATP binding cassette subfamily A member 4; minus strand). Cytogenetic location: 1p22.1.
Variant type: single nucleotide variant.
Coding change: c.419G>C on transcript NM_000350.3 (MANE Select); coding-DNA position 419, G replaced by C.
Protein change: p.Arg140Pro; replaces arginine 140 with proline.
Molecular consequence: missense variant.
Genome position (GRCh38, 1-based): chr1:94,108,600, C>G on the plus strand (G>C on the coding strand, the complement: ABCA4 is on the minus strand). VCF-style: chr1-94108600-C-G. GRCh37 (hg19) VCF-style: chr1-94574156-C-G.
Other names: c.419G>C, p.Arg140Pro (NM_001425324.1); c.419G>C (NM_000350.2); short protein forms R140P.
Identifiers: ClinVar variation 806170 (VCV000806170.46), dbSNP rs369105023, ClinGen allele CA341292997.

ClinVar aggregate classification (germline): Uncertain significance. Review status: criteria provided, multiple submitters, no conflicts (2 of 4 stars). 4 submissions from 4 submitters: Uncertain significance (3). 1 of the submissions does not count toward it. Last evaluated 2023-12-27.

Conditions:
Inborn genetic diseases. Identifiers: MedGen C0950123, MeSH D030342.
Retinal dystrophy. Also called: Inherited retinal dystrophy. Identifiers: Orphanet 71862, MedGen C0854723, MeSH D058499, MONDO:0019118, HP:0000556.

gnomAD v4.1: 1 of 1,613,602 alleles (0.000062%); highest among the groups gnomAD compares: Non-Finnish European, 0.000085%; no homozygotes.

Submissions (4):

Ambry Genetics
Classification: Uncertain significance for Inborn genetic diseases. Last evaluated: 2023-12-27. Review status: criteria provided, single submitter. Criteria: Ambry Variant Classification Scheme 2023. Collection method: clinical testing. Allele origin: germline.

Labcorp Genetics (formerly Invitae), Labcorp
Classification: Uncertain significance. Last evaluated: 2023-11-20. Review status: criteria provided, single submitter. Criteria: Invitae Variant Classification Sherloc (09022015). Collection method: clinical testing. Allele origin: germline.
Comment: This sequence change replaces arginine, which is basic and polar, with proline, which is neutral and non-polar, at codon 140 of the ABCA4 protein (p.Arg140Pro). This variant is present in population databases (no rsID available, gnomAD 0.0009%). This variant has not been reported in the literature in individuals affected with ABCA4-related conditions. ClinVar contains an entry for this variant (Variation ID: 806170). Advanced modeling of protein sequence and biophysical properties (such as structural, functional, and spatial information, amino acid conservation, physicochemical variation, residue mobility, and thermodynamic stability) performed at Invitae indicates that this missense variant is expected to disrupt ABCA4 protein function with a positive predictive value of 95%. In summary, the available evidence is currently insufficient to determine the role of this variant in disease. Therefore, it has been classified as a Variant of Uncertain Significance.

CeGaT Center for Human Genetics Tuebingen
Classification: Uncertain significance. Last evaluated: 2018-10-01. Review status: criteria provided, single submitter. Criteria: CeGaT Center For Human Genetics Tuebingen Variant Classification Criteria Version 2. Collection method: clinical testing. Allele origin: germline. Affected: yes. Observed: 1 variant allele.

Institute of Human Genetics, Univ. Regensburg, Univ. Regensburg
Classification: Likely pathogenic for Retinal dystrophy. Last evaluated: 2016-01-01. Review status: no assertion criteria provided. Criteria: ACMG Guidelines, 2015. Collection method: clinical testing. Allele origin: germline. Affected: yes. Not counted in ClinVar's aggregate classification.